The following is an entry in ClinVar:

NM_000235.4(LIPA):c.677A>G (p.Asp226Gly)

Gene: LIPA (lipase A, lysosomal acid type; minus strand). Cytogenetic location: 10q23.31.
Variant type: single nucleotide variant.
Coding change: c.677A>G on transcript NM_000235.4 (MANE Select); coding-DNA position 677, A replaced by G.
Protein change: p.Asp226Gly; replaces aspartic acid 226 with glycine.
Molecular consequence: missense variant.
Genome position (GRCh38, 1-based): chr10:89,223,829, T>C on the plus strand (A>G on the coding strand, the complement: LIPA is on the minus strand). VCF-style: chr10-89223829-T-C. GRCh37 (hg19) VCF-style: chr10-90983586-T-C.
Other names: c.677A>G, p.Asp226Gly (NM_001127605.3); c.329A>G, p.Asp110Gly (NM_001288979.2); short protein forms D110G, D226G.
Identifiers: ClinVar variation 3538434 (VCV003538434.1).

ClinVar aggregate classification (germline): Uncertain significance (1 of 4 stars; one submission).

Conditions:
Cardiovascular phenotype. Identifiers: MedGen CN230736.

gnomAD v4.1: 1 of 1,613,888 alleles (0.000062%); highest among the groups gnomAD compares: South Asian, 0.0011%; no homozygotes.

Submission:

Ambry Genetics
Classification: Uncertain significance for Cardiovascular phenotype. Last evaluated: 2024-08-31. Review status: criteria provided, single submitter. Criteria: Ambry Variant Classification Scheme 2023. Collection method: clinical testing. Allele origin: germline.
Comment: The p.D226G variant (also known as c.677A>G), located in coding exon 6 of the LIPA gene, results from an A to G substitution at nucleotide position 677. The aspartic acid at codon 226 is replaced by glycine, an amino acid with similar properties. This amino acid position is conserved. In addition, this alteration is predicted to be tolerated by in silico analysis. Based on the available evidence, the clinical significance of this variant remains unclear.